The following is an entry in ClinVar:

NM_000414.4(HSD17B4):c.1680G>C (p.Lys560Asn)

Gene: HSD17B4 (hydroxysteroid 17-beta dehydrogenase 4; plus strand). Cytogenetic location: 5q23.1.
Variant type: single nucleotide variant.
Coding change: c.1680G>C on transcript NM_000414.4 (MANE Select); coding-DNA position 1680, G replaced by C.
Protein change: p.Lys560Asn; replaces lysine 560 with asparagine.
Molecular consequence: missense variant. On other transcripts: non-coding transcript variant (2).
Genome position (GRCh38, 1-based): chr5:119,526,023, G>C. VCF-style: chr5-119526023-G-C. GRCh37 (hg19) VCF-style: chr5-118861718-G-C.
Other names: c.1755G>C, p.Lys585Asn (NM_001199291.3); c.1626G>C, p.Lys542Asn (NM_001199292.2); c.1608G>C, p.Lys536Asn (NM_001292027.2, NM_001374498.1); c.1260G>C, p.Lys420Asn (NM_001292028.2); c.1671G>C, p.Lys557Asn (NM_001374497.1); c.1353G>C, p.Lys451Asn (NM_001374499.1); c.1239G>C, p.Lys413Asn (NM_001374500.1); c.1269G>C, p.Lys423Asn (NM_001374501.1, NM_001374502.1, NM_001374503.1); short protein forms K413N, K451N, K536N, K423N, K542N, K560N, K420N, K585N.
Identifiers: ClinVar variation 1995838 (VCV001995838.4), dbSNP rs2531912918, ClinGen allele CA360869425.

ClinVar aggregate classification (germline): Uncertain significance (1 of 4 stars; one submission).

Conditions:
Perrault syndrome. Also called: Gonadal dysgenesis with auditory dysfunction, autosomal recessive inheritance. Identifiers: Orphanet 2855, MedGen C0685838, MONDO:0017312.
Bifunctional peroxisomal enzyme deficiency (DBIF). Also called: D-bifunctional protein deficiency; DBP DEFICIENCY; PBFE DEFICIENCY. Identifiers: Orphanet 300, MedGen C0342870, MONDO:0009855, OMIM 261515. Disease mechanism: loss of function.

Allele frequency attached by ClinVar (database versions not stated): gnomAD exomes below 0.00001.
gnomAD v4.1: 2 of 1,491,632 alleles (0.00013%); highest among the groups gnomAD compares: Non-Finnish European, 0.00019%; no homozygotes.

Submission:

Labcorp Genetics (formerly Invitae), Labcorp
Classification: Uncertain significance for Perrault syndrome; Bifunctional peroxisomal enzyme deficiency. Last evaluated: 2022-05-18. Review status: criteria provided, single submitter. Criteria: Invitae Variant Classification Sherloc (09022015). Collection method: clinical testing. Allele origin: germline.
Comment: Algorithms developed to predict the effect of missense changes on protein structure and function are either unavailable or do not agree on the potential impact of this missense change (SIFT: "Deleterious"; PolyPhen-2: "Probably Damaging"; Align-GVGD: "Class C0"). This variant has not been reported in the literature in individuals affected with HSD17B4-related conditions. This variant is not present in population databases (gnomAD no frequency). This sequence change replaces lysine, which is basic and polar, with asparagine, which is neutral and polar, at codon 560 of the HSD17B4 protein (p.Lys560Asn). This variant also falls at the last nucleotide of exon 19, which is part of the consensus splice site for this exon. In summary, the available evidence is currently insufficient to determine the role of this variant in disease. Therefore, it has been classified as a Variant of Uncertain Significance. Variants that disrupt the consensus splice site are a relatively common cause of aberrant splicing (PMID: 17576681, 9536098). Algorithms developed to predict the effect of sequence changes on RNA splicing suggest that this variant may create or strengthen a splice site.

Literature cited by the submitters: PubMed 17576681; PubMed 9536098.